The following is an entry in ClinVar:

NM_001289808.2(CRYAB):c.298G>C (p.Val100Leu)

Gene: CRYAB (crystallin alpha B; minus strand). Cytogenetic location: 11q23.1.
Variant type: single nucleotide variant.
Coding change: c.298G>C on transcript NM_001289808.2 (MANE Select); coding-DNA position 298, G replaced by C.
Protein change: p.Val100Leu; replaces valine 100 with leucine.
Molecular consequence: missense variant.
Genome position (GRCh38, 1-based): chr11:111,910,353, C>G on the plus strand (G>C on the coding strand, the complement: CRYAB is on the minus strand). VCF-style: chr11-111910353-C-G. GRCh37 (hg19) VCF-style: chr11-111781077-C-G.
Other names: c.298G>C, p.Val100Leu (NM_001289807.1, NM_001368245.1, NM_001885.3); c.97G>C, p.Val33Leu (NM_001330379.1, NM_001368246.1); short protein forms V100L, V33L.
Identifiers: ClinVar variation 3689156 (VCV003689156.2).

ClinVar aggregate classification (germline): Uncertain significance (1 of 4 stars; one submission).

Conditions:
Dilated cardiomyopathy 1II (CMD1II). Identifiers: Orphanet 154, MedGen C3554649, MONDO:0014073, OMIM 615184.

Submission:

Labcorp Genetics (formerly Invitae), Labcorp
Classification: Uncertain significance for Dilated cardiomyopathy 1II. Last evaluated: 2024-08-19. Review status: criteria provided, single submitter. Criteria: Invitae Variant Classification Sherloc (09022015). Collection method: clinical testing. Allele origin: germline.
Comment: This sequence change replaces valine, which is neutral and non-polar, with leucine, which is neutral and non-polar, at codon 100 of the CRYAB protein (p.Val100Leu). This variant is not present in population databases (gnomAD no frequency). This variant has not been reported in the literature in individuals affected with CRYAB-related conditions. An algorithm developed to predict the effect of missense changes on protein structure and function (PolyPhen-2) suggests that this variant is likely to be disruptive. In summary, the available evidence is currently insufficient to determine the role of this variant in disease. Therefore, it has been classified as a Variant of Uncertain Significance.